The following is an entry in ClinVar:

NM_001378452.1(ITPR1):c.755C>T (p.Thr252Ile)

Gene: ITPR1 (inositol 1,4,5-trisphosphate receptor type 1; plus strand). Cytogenetic location: 3p26.1.
Variant type: single nucleotide variant.
Coding change: c.755C>T on transcript NM_001378452.1 (MANE Select); coding-DNA position 755, C replaced by T.
Protein change: p.Thr252Ile; replaces threonine 252 with isoleucine.
Molecular consequence: missense variant.
Genome position (GRCh38, 1-based): chr3:4,645,628, C>T. VCF-style: chr3-4645628-C-T. GRCh37 (hg19) VCF-style: chr3-4687312-C-T.
Other names: c.755C>T, p.Thr252Ile (NM_001099952.4, NM_001168272.2, NM_002222.7); short protein forms T252I.
Identifiers: ClinVar variation 1050806 (VCV001050806.3), dbSNP rs2125159718, ClinGen allele CA351636567.

ClinVar aggregate classification (germline): Conflicting classifications of pathogenicity. Review status: criteria provided, conflicting classifications (1 of 4 stars). 2 submissions from 2 submitters: Likely pathogenic (1); Uncertain significance (1). Last evaluated 2024-03-22.

Conditions:
Spinocerebellar ataxia type 29 (SCA29). Also called: Spinocerebellar ataxia 29, congenital nonprogressive; CEREBELLAR ATAXIA, CONGENITAL NONPROGRESSIVE, AUTOSOMAL DOMINANT. Identifiers: Orphanet 208513, MedGen C1861732, MONDO:0007298, OMIM 117360.

Submissions (2):

Clinical Genomics Laboratory, Washington University in St. Louis
Classification: Uncertain significance for Spinocerebellar ataxia type 29. Last evaluated: 2024-03-22. Review status: criteria provided, single submitter. Criteria: ACMG Guidelines, 2015. Collection method: clinical testing. Allele origin: germline.
Comment: The ITPR1 c.755C>T (p.Thr252Ile) variant, to our knowledge, has not been reported in the medical literature and is absent from the general population (gnomAD v.2.1.1), indicating it is not a common variant. Computational predictors indicate that the variant is damaging, evidence that correlates with impact to ITPR1 function. This variant has been reported in the ClinVar database as a germline likely pathogenic variant by one submitter. Due to limited information, and based on ACMG/AMP guidelines for variant interpretation (Richards S et al., PMID: 25741868), the clinical significance of this variant is uncertain at this time.

Centre for Inherited Metabolic Diseases, Karolinska University Hospital
Classification: Likely pathogenic for Spinocerebellar ataxia type 29. Last evaluated: 2021-04-07. Review status: criteria provided, single submitter. Criteria: ACMG Guidelines, 2015. Collection method: clinical testing. Allele origin: germline. Inheritance: Autosomal recessive inheritance. Affected: yes. Observed: 1 compound heterozygote.